The following is an entry in ClinVar:

ClinVar aggregate classification (germline): Uncertain significance. Review status: criteria provided, multiple submitters, no conflicts (2 of 4 stars). 2 submissions from 2 submitters: Uncertain significance (2). Last evaluated 2026-03-21.

Conditions:
Familial thoracic aortic aneurysm and aortic dissection (TAAD). Also called: Thoracic aortic aneurysms and dissections. Identifiers: Orphanet 91387, MedGen C4707243, MONDO:0019625.

gnomAD v4.1: 1 of 1,610,380 alleles (0.000062%); highest among the groups gnomAD compares: Non-Finnish European, 0.000085%; no homozygotes.

Submissions (2):

Ambry Genetics
Classification: Uncertain significance for Familial thoracic aortic aneurysm and aortic dissection. Last evaluated: 2026-03-21. Review status: criteria provided, single submitter. Criteria: Ambry Variant Classification Scheme 2023. Collection method: clinical testing. Allele origin: germline.
Comment: The p.V74L variant (also known as c.220G>C), located in coding exon 1 of the FBN2 gene, results from a G to C substitution at nucleotide position 220. The valine at codon 74 is replaced by leucine, an amino acid with highly similar properties. This amino acid position is conserved. In addition, this alteration is predicted to be tolerated by in silico analysis. Based on the available evidence, the clinical significance of this variant remains unclear.

CeGaT Center for Human Genetics Tuebingen
Classification: Uncertain significance. Last evaluated: 2024-10-01. Review status: criteria provided, single submitter. Criteria: CeGaT Center For Human Genetics Tuebingen Variant Classification Criteria Version 2. Collection method: clinical testing. Allele origin: germline. Affected: yes. Observed: 1 variant allele.
Comment: FBN2: PM2, BP5

NM_001999.4(FBN2):c.220G>C (p.Val74Leu)

Gene: FBN2 (fibrillin 2; minus strand). Cytogenetic location: 5q23.3.
Variant type: single nucleotide variant.
Coding change: c.220G>C on transcript NM_001999.4 (MANE Select); coding-DNA position 220, G replaced by C.
Protein change: p.Val74Leu; replaces valine 74 with leucine.
Molecular consequence: missense variant.
Genome position (GRCh38, 1-based): chr5:128,537,384, C>G on the plus strand (G>C on the coding strand, the complement: FBN2 is on the minus strand). VCF-style: chr5-128537384-C-G. GRCh37 (hg19) VCF-style: chr5-127873077-C-G.
Other names: c.220G>C (NM_001999.3); short protein forms V74L.
Identifiers: ClinVar variation 3390003 (VCV003390003.15).